The following is an entry in ClinVar:

ClinVar aggregate classification (germline): Pathogenic (1 of 4 stars; one submission).

Conditions:
Tuberous sclerosis 2 (TSC2). Identifiers: Orphanet 805, MedGen C1860707, MONDO:0013199, OMIM 613254.

Submission:

Institute of Human Genetics, University of Leipzig Medical Center
Classification: Pathogenic for Tuberous sclerosis 2. Last evaluated: 2023-10-16. Review status: criteria provided, single submitter. Criteria: ACMG Guidelines, 2015. Collection method: clinical testing. Allele origin: unknown. Inheritance: Autosomal dominant inheritance. Affected: yes.
Comment: Criteria applied: PVS1,PS4_SUP,PM2_SUP

NM_000548.5(TSC2):c.4439dup (p.Leu1480fs)

Gene: TSC2 (TSC complex subunit 2; plus strand). Cytogenetic location: 16p13.3.
Variant type: Duplication.
Coding change: c.4439dup on transcript NM_000548.5 (MANE Select); coding-DNA position 4439, one base duplicated (T; older notation c.4439dupT).
Protein change: p.Leu1480fs; shifts the reading frame from leucine 1480.
Molecular consequence: frameshift variant. On other transcripts: non-coding transcript variant (5).
Genome position (GRCh38, 1-based): chr16:2,084,661, T duplicated; the last of 2 consecutive T bases (chr16:2,084,660-2,084,661); duplicating either gives the same sequence. VCF-style (leftmost placement, unchanged base first): chr16-2084659-C-CT. GRCh37 (hg19) VCF-style: chr16-2134660-C-CT.
Other names: c.4223dup, p.Leu1408fs (NM_001406675.1); c.4220dup, p.Leu1407fs (NM_001406676.1); c.4181dup, p.Leu1394fs (NM_001406677.1); c.4127dup, p.Leu1376fs (NM_001406678.1); c.4091dup, p.Leu1364fs (NM_001406679.1); c.3839dup, p.Leu1280fs (NM_001406680.1); c.3779dup, p.Leu1260fs (NM_001406681.1); c.3770dup, p.Leu1257fs (NM_001406682.1, NM_001406683.1); and 26 more; short protein forms L1009fs, L1213fs, L1214fs, L1236fs, L1256fs, L1257fs, L1260fs, L1280fs.
Identifiers: ClinVar variation 2627592 (VCV002627592.2), dbSNP rs2544287299, ClinGen allele CA2582342632.